The following is an entry in ClinVar:

NM_004281.4(BAG3):c.1345A>T (p.Lys449Ter)

Gene: BAG3 (BAG cochaperone 3; plus strand). Cytogenetic location: 10q26.11.
Variant type: single nucleotide variant.
Coding change: c.1345A>T on transcript NM_004281.4 (MANE Select); coding-DNA position 1345, A replaced by T.
Protein change: p.Lys449Ter; replaces lysine 449 with a stop codon.
Molecular consequence: nonsense.
Genome position (GRCh38, 1-based): chr10:119,676,899, A>T. VCF-style: chr10-119676899-A-T. GRCh37 (hg19) VCF-style: chr10-121436411-A-T.
Other names: short protein forms K449*.
Identifiers: ClinVar variation 410230 (VCV000410230.8), dbSNP rs1060502815, ClinGen allele CA16612754.
Genomic context (GRCh38, chr10:119,676,899, plus strand): 5'-CTGGAGAAGGTACAGGGGCTGGAGCAGGCTGTAGACAACTTTGAAGGCAAGAAGACTGAC[A>T]AAAAGTACCTGATGATCGAAGAGTATTTGACCAAAGAGCTGCTGGCCCTGGATTCAGTGG-3'

ClinVar aggregate classification (germline): Likely pathogenic (1 of 4 stars; one submission).

Conditions:
Dilated cardiomyopathy 1HH (CMD1HH). Identifiers: Orphanet 154, MedGen C3151293, MONDO:0013479, OMIM 613881.
Myofibrillar myopathy 6. Identifiers: Orphanet 199340, MedGen C2751831, MONDO:0013061, OMIM 612954.

Submission:

Labcorp Genetics (formerly Invitae), Labcorp
Classification: Likely pathogenic for Dilated cardiomyopathy 1HH; Myofibrillar myopathy 6. Last evaluated: 2017-06-24. Review status: criteria provided, single submitter. Criteria: Invitae Variant Classification Sherloc (09022015). Collection method: clinical testing. Allele origin: germline.
Comment: For these reasons, this variant has been classified as Likely Pathogenic. This variant leads to the truncation of the last 127 amino acids of the BAG3 protein. Different variants downstream of this truncation, p.Glu455Lys and Tyr451*, have been reported as being pathogenic (PMID: (PMID: 2159883, 25008357, 25008357) indicating that this truncated region may be critical for protein function. This variant is not present in population databases (ExAC no frequency) and has not been reported in the literature in individuals with a BAG3-related disease. This sequence change results in a premature translational stop signal in the last exon of the BAG3 mRNA at codon 449 (p.Lys449*). While this is not anticipated to result in nonsense mediated decay, it is expected to create a truncated BAG3 protein.

Literature cited by the submitters: PubMed 2159883; PubMed 25008357.